The following is an entry in ClinVar:

NM_002599.5(PDE2A):c.966G>A (p.Met322Ile)

Gene: PDE2A (phosphodiesterase 2A; minus strand). Cytogenetic location: 11q13.4.
Variant type: single nucleotide variant.
Coding change: c.966G>A on transcript NM_002599.5 (MANE Select); coding-DNA position 966, G replaced by A.
Protein change: p.Met322Ile; replaces methionine 322 with isoleucine.
Molecular consequence: missense variant.
Genome position (GRCh38, 1-based): chr11:72,588,888, C>T on the plus strand (G>A on the coding strand, the complement: PDE2A is on the minus strand). VCF-style: chr11-72588888-C-T. GRCh37 (hg19) VCF-style: chr11-72299932-C-T.
Other names: c.939G>A, p.Met313Ile (NM_001146209.3); c.903G>A, p.Met301Ile (NM_001243784.2); c.966G>A (NM_002599.4); c.945G>A, p.Met315Ile (NM_001143839.4); short protein forms M322I, M313I, M301I, M315I.
Identifiers: ClinVar variation 2160313 (VCV002160313.3), dbSNP rs148079689, ClinGen allele CA6172345.
Genomic context (GRCh38, chr11:72,588,888, plus strand): 5'-CTGGTCAGTGGCCCGGCTGATGACAGGGACACAGAGCATGGCCTGCAGCTCACAGCCCAA[C>T]ATGCTCTGCAGCTGTTGTACATCCTCCTGCAAAGGCGAGGCAAGTCAGGGCAGGGAAGCA-3'
Protein context (NP_002590.1, residues 312-332): TSEDVQQLQS[Met322Ile]LGCELQAMLC

ClinVar aggregate classification (germline): Uncertain significance. Review status: criteria provided, multiple submitters, no conflicts (2 of 4 stars). 2 submissions from 2 submitters: Uncertain significance (2). Last evaluated 2023-03-09.

Conditions:
Inborn genetic diseases. Identifiers: MedGen C0950123, MeSH D030342.

Allele frequency attached by ClinVar (database versions not stated): 1000 Genomes Project 30x 0.00016; 1000 Genomes Project 0.00020; ESP Exome Variant Server 0.00023; TOPMed 0.00024; gnomAD 0.00031; ExAC 0.00032; gnomAD exomes 0.00068.
gnomAD v4.1: 1,045 of 1,609,160 alleles (0.065%); highest among the groups gnomAD compares: Non-Finnish European, 0.081%; 1 homozygote.

Submissions (2):

Labcorp Genetics (formerly Invitae), Labcorp
Classification: Uncertain significance. Last evaluated: 2023-03-09. Review status: criteria provided, single submitter. Criteria: Invitae Variant Classification Sherloc (09022015). Collection method: clinical testing. Allele origin: germline.
Comment: In summary, the available evidence is currently insufficient to determine the role of this variant in disease. Therefore, it has been classified as a Variant of Uncertain Significance. An algorithm developed to predict the effect of missense changes on protein structure and function (PolyPhen-2) suggests that this variant¬† is likely to be tolerated. ClinVar contains an entry for this variant (Variation ID: 2160313). This variant has not been reported in the literature in individuals affected with PDE2A-related conditions. This variant is present in population databases (rs148079689, gnomAD 0.06%), and has an allele count higher than expected for a pathogenic variant. This sequence change replaces methionine, which is neutral and non-polar, with isoleucine, which is neutral and non-polar, at codon 322 of the PDE2A protein (p.Met322Ile).

Ambry Genetics
Classification: Uncertain significance for Inborn genetic diseases. Last evaluated: 2021-07-14. Review status: criteria provided, single submitter. Criteria: Ambry Variant Classification Scheme 2023. Collection method: clinical testing. Allele origin: germline.